The following is an entry in ClinVar:

NM_024753.5(TTC21B):c.2191G>T (p.Ala731Ser)

Gene: TTC21B (tetratricopeptide repeat domain 21B; minus strand). Cytogenetic location: 2q24.3.
Variant type: single nucleotide variant.
Coding change: c.2191G>T on transcript NM_024753.5 (MANE Select); coding-DNA position 2191, G replaced by T.
Protein change: p.Ala731Ser; replaces alanine 731 with serine.
Molecular consequence: missense variant.
Genome position (GRCh38, 1-based): chr2:165,913,594, C>A on the plus strand (G>T on the coding strand, the complement: TTC21B is on the minus strand). VCF-style: chr2-165913594-C-A. GRCh37 (hg19) VCF-style: chr2-166770104-C-A.
Other names: short protein forms A731S.
Identifiers: ClinVar variation 4783373 (VCV004783373.1).

ClinVar aggregate classification (germline): Uncertain significance (1 of 4 stars; one submission).

Conditions:
Nephronophthisis. Also called: Juvenile Nephronophthisis. Identifiers: Orphanet 655, MedGen C0687120, MONDO:0019005, HP:0000090.
Jeune thoracic dystrophy. Also called: Short-rib thoracic dysplasia; Jeune syndrome; Infantile thoracic dystrophy; Thoracic pelvic phalangeal dystrophy; Jeune's syndrome; Chondroectodermal dysplasia-like syndrome. Identifiers: Orphanet 474, MedGen C0265275, MONDO:0018770.

Submission:

Labcorp Genetics (formerly Invitae), Labcorp
Classification: Uncertain significance for Jeune thoracic dystrophy; Nephronophthisis. Last evaluated: 2026-01-21. Review status: criteria provided, single submitter. Criteria: Invitae Variant Classification Sherloc (09022015). Collection method: clinical testing. Allele origin: germline.
Comment: This sequence change replaces alanine, which is neutral and non-polar, with serine, which is neutral and polar, at codon 731 of the TTC21B protein (p.Ala731Ser). This variant is not present in population databases (gnomAD no frequency). This variant has not been reported in the literature in individuals affected with TTC21B-related conditions. Invitae Evidence Modeling of protein sequence and biophysical properties (such as structural, functional, and spatial information, amino acid conservation, physicochemical variation, residue mobility, and thermodynamic stability) has been performed for this missense variant. However, the output from this modeling did not meet the statistical confidence thresholds required to predict the impact of this variant on TTC21B protein function. In summary, the available evidence is currently insufficient to determine the role of this variant in disease. Therefore, it has been classified as a Variant of Uncertain Significance.